The following is an entry in ClinVar:

NM_004655.4(AXIN2):c.1908-3T>A

Gene: AXIN2 (axin 2; minus strand). Cytogenetic location: 17q24.1.
Variant type: single nucleotide variant.
Coding change: c.1908-3T>A on transcript NM_004655.4 (MANE Select); 3 bases into the intron before coding-DNA position 1908, T replaced by A.
Molecular consequence: intron variant.
Genome position (GRCh38, 1-based): chr17:65,536,556, A>T on the plus strand (T>A on the coding strand, the complement: AXIN2 is on the minus strand). VCF-style: chr17-65536556-A-T. GRCh37 (hg19) VCF-style: chr17-63532674-A-T.
Other names: c.1713-3T>A (NM_001363813.1).
Identifiers: ClinVar variation 1782422 (VCV001782422.5), dbSNP rs1287639468, ClinGen allele CA2580094680.

ClinVar aggregate classification (germline): Uncertain significance. Review status: criteria provided, multiple submitters, no conflicts (2 of 4 stars). 2 submissions from 2 submitters: Uncertain significance (2). Last evaluated 2023-10-23.

Conditions:
Hereditary cancer-predisposing syndrome. Also called: Neoplastic Syndromes, Hereditary; Tumor predisposition; Hereditary Cancer Syndrome; Hereditary neoplastic syndrome. Identifiers: Orphanet 140162, MedGen C0027672, MeSH D009386, MONDO:0015356.
Oligodontia-cancer predisposition syndrome. Also called: TOOTH AGENESIS-COLORECTAL CANCER SYNDROME. Identifiers: Orphanet 300576, MedGen C1837750, MONDO:0012075, OMIM 608615. Disease mechanism: loss of function.

Submissions (2):

Labcorp Genetics (formerly Invitae), Labcorp
Classification: Uncertain significance for Oligodontia-cancer predisposition syndrome. Last evaluated: 2023-10-23. Review status: criteria provided, single submitter. Criteria: Invitae Variant Classification Sherloc (09022015). Collection method: clinical testing. Allele origin: germline.
Comment: This sequence change falls in intron 7 of the AXIN2 gene. It does not directly change the encoded amino acid sequence of the AXIN2 protein. It affects a nucleotide within the consensus splice site. This variant is not present in population databases (gnomAD no frequency). This variant has not been reported in the literature in individuals affected with AXIN2-related conditions. ClinVar contains an entry for this variant (Variation ID: 1782422). Variants that disrupt the consensus splice site are a relatively common cause of aberrant splicing (PMID: 17576681, 9536098). Algorithms developed to predict the effect of sequence changes on RNA splicing suggest that this variant is not likely to affect RNA splicing. In summary, the available evidence is currently insufficient to determine the role of this variant in disease. Therefore, it has been classified as a Variant of Uncertain Significance.

Ambry Genetics
Classification: Uncertain significance for Hereditary cancer-predisposing syndrome. Last evaluated: 2021-02-18. Review status: criteria provided, single submitter. Criteria: Ambry Variant Classification Scheme 2023. Collection method: clinical testing. Allele origin: germline.
Comment: The c.1908-3T>A intronic variant results from a T to A substitution 3 nucleotides upstream from coding exon 7 in the AXIN2 gene. This nucleotide position is poorly conserved in available vertebrate species. In silico splice site analysis for this alteration is inconclusive. Since supporting evidence is limited at this time, the clinical significance of this alteration remains unclear.

Literature cited by the submitters: PubMed 17576681 (cited by Labcorp Genetics (formerly Invitae), Labcorp); PubMed 9536098 (cited by Labcorp Genetics (formerly Invitae), Labcorp).